The following is an entry in ClinVar:

NM_005032.7(PLS3):c.1761-9C>G

Gene: PLS3 (plastin 3; plus strand). Cytogenetic location: Xq23.
Variant type: single nucleotide variant.
Coding change: c.1761-9C>G on transcript NM_005032.7 (MANE Select); 9 bases into the intron before coding-DNA position 1761, C replaced by G.
Molecular consequence: intron variant.
Genome position (GRCh38, 1-based): chrX:115,649,420, C>G. VCF-style: chrX-115649420-C-G. GRCh37 (hg19) VCF-style: chrX-114883740-C-G.
Other names: c.1722-9C>G (NM_001282337.2); c.1761-9C>G (NM_001440791.1, NM_001440792.1, NM_001136025.5); c.1626-9C>G (NM_001282338.2); c.1680-9C>G (NM_001172335.3).
Identifiers: ClinVar variation 4729668 (VCV004729668.1).

ClinVar aggregate classification (germline): Uncertain significance (1 of 4 stars; one submission).

Submission:

Labcorp Genetics (formerly Invitae), Labcorp
Classification: Uncertain significance. Last evaluated: 2025-10-27. Review status: criteria provided, single submitter. Criteria: Invitae Variant Classification Sherloc (09022015). Collection method: clinical testing. Allele origin: germline.
Comment: This sequence change falls in intron 15 of the PLS3 gene. It does not directly change the encoded amino acid sequence of the PLS3 protein. This variant is not present in population databases (gnomAD no frequency). This variant has not been reported in the literature in individuals affected with PLS3-related conditions. Algorithms developed to predict the effect of sequence changes on RNA splicing suggest that this variant may disrupt the consensus splice site. In summary, the available evidence is currently insufficient to determine the role of this variant in disease. Therefore, it has been classified as a Variant of Uncertain Significance.